The following is an entry in ClinVar:

ClinVar aggregate classification (germline): Uncertain significance. Review status: criteria provided, multiple submitters, no conflicts (2 of 4 stars). 2 submissions from 2 submitters: Uncertain significance (2). Last evaluated 2024-03-13.

Conditions:
Hereditary cancer-predisposing syndrome. Also called: Neoplastic Syndromes, Hereditary; Tumor predisposition; Hereditary Cancer Syndrome; Hereditary neoplastic syndrome. Identifiers: Orphanet 140162, MedGen C0027672, MeSH D009386, MONDO:0015356.

Allele frequency attached by ClinVar (database versions not stated): gnomAD exomes 0.00001.
gnomAD v4.1: 10 of 1,614,136 alleles (0.00062%); highest among the groups gnomAD compares: Non-Finnish European, 0.00076%; no homozygotes.

Submissions (2):

Labcorp Genetics (formerly Invitae), Labcorp
Classification: Uncertain significance for Hereditary cancer-predisposing syndrome. Last evaluated: 2024-03-13. Review status: criteria provided, single submitter. Criteria: Invitae Variant Classification Sherloc (09022015). Collection method: clinical testing. Allele origin: germline.
Comment: This sequence change replaces glycine, which is neutral and non-polar, with serine, which is neutral and polar, at codon 1226 of the RAD50 protein (p.Gly1226Ser). This variant is not present in population databases (gnomAD no frequency). This variant has not been reported in the literature in individuals affected with RAD50-related conditions. ClinVar contains an entry for this variant (Variation ID: 457464). Advanced modeling of protein sequence and biophysical properties (such as structural, functional, and spatial information, amino acid conservation, physicochemical variation, residue mobility, and thermodynamic stability) performed at Invitae indicates that this missense variant is expected to disrupt RAD50 protein function with a positive predictive value of 80%. In summary, the available evidence is currently insufficient to determine the role of this variant in disease. Therefore, it has been classified as a Variant of Uncertain Significance.

Ambry Genetics
Classification: Uncertain significance for Hereditary cancer-predisposing syndrome. Last evaluated: 2024-02-20. Review status: criteria provided, single submitter. Criteria: Ambry Variant Classification Scheme 2023. Collection method: clinical testing. Allele origin: germline.
Comment: The p.G1226S variant (also known as c.3676G>A), located in coding exon 24 of the RAD50 gene, results from a G to A substitution at nucleotide position 3676. The glycine at codon 1226 is replaced by serine, an amino acid with similar properties. This amino acid position is highly conserved in available vertebrate species. In addition, this alteration is predicted to be deleterious by in silico analysis. Since supporting evidence is limited at this time, the clinical significance of this alteration remains unclear.

NM_005732.4(RAD50):c.3676G>A (p.Gly1226Ser)

Genes: TH2-LCR (Th2 cytokine locus control region; plus strand), RAD50 (RAD50 double strand break repair protein; plus strand), TH2LCRR (T helper type 2 locus control region associated RNA; minus strand). Cytogenetic location: 5q31.1.
Variant type: single nucleotide variant.
Coding change: c.3676G>A on transcript NM_005732.4 (MANE Select); coding-DNA position 3676, G replaced by A.
Protein change: p.Gly1226Ser; replaces glycine 1226 with serine.
Molecular consequence: missense variant.
Genome position (GRCh38, 1-based): chr5:132,640,729, G>A. VCF-style: chr5-132640729-G-A. GRCh37 (hg19) VCF-style: chr5-131976421-G-A.
Other names: short protein forms G1226S.
Identifiers: ClinVar variation 457464 (VCV000457464.13), dbSNP rs1554101183, ClinGen allele CA360934182.